The following is an entry in ClinVar:

ClinVar aggregate classification (germline): Uncertain significance (1 of 4 stars; one submission).

Conditions:
Generalized pustular psoriasis. Identifiers: Orphanet 247353, MedGen C0343055, MONDO:0100491.

Allele frequency attached by ClinVar (database versions not stated): ExAC 0.00001; gnomAD 0.00001; gnomAD exomes 0.00001.

Submission:

Labcorp Genetics (formerly Invitae), Labcorp
Classification: Uncertain significance for Generalized pustular psoriasis. Last evaluated: 2022-04-09. Review status: criteria provided, single submitter. Criteria: Invitae Variant Classification Sherloc (09022015). Collection method: clinical testing. Allele origin: germline.
Comment: Algorithms developed to predict the effect of missense changes on protein structure and function (SIFT, PolyPhen-2, Align-GVGD) all suggest that this variant is likely to be tolerated. In summary, the available evidence is currently insufficient to determine the role of this variant in disease. Therefore, it has been classified as a Variant of Uncertain Significance. This variant has not been reported in the literature in individuals affected with IL36RN-related conditions. This sequence change replaces leucine, which is neutral and non-polar, with methionine, which is neutral and non-polar, at codon 31 of the IL36RN protein (p.Leu31Met). This variant is present in population databases (rs777423707, gnomAD 0.003%).

NM_012275.3(IL36RN):c.91C>A (p.Leu31Met)

Gene: IL36RN (interleukin 36 receptor antagonist; plus strand). Cytogenetic location: 2q14.1.
Variant type: single nucleotide variant.
Coding change: c.91C>A on transcript NM_012275.3 (MANE Select); coding-DNA position 91, C replaced by A.
Protein change: p.Leu31Met; replaces leucine 31 with methionine.
Molecular consequence: missense variant.
Genome position (GRCh38, 1-based): chr2:113,060,913, C>A. VCF-style: chr2-113060913-C-A. GRCh37 (hg19) VCF-style: chr2-113818490-C-A.
Other names: c.91C>A, p.Leu31Met (NM_173170.1); short protein forms L31M.
Identifiers: ClinVar variation 1903349 (VCV001903349.3), dbSNP rs777423707, ClinGen allele CA1838343.